The following is an entry in ClinVar:

ClinVar aggregate classification (germline): Uncertain significance (1 of 4 stars; one submission).

Conditions:
Joubert syndrome. Also called: CEREBELLOPARENCHYMAL DISORDER IV; JOUBERT-BOLTSHAUSER SYNDROME; Familial aplasia of the vermis. Identifiers: Orphanet 475, MedGen C5979921, MONDO:0018772.
Meckel-Gruber syndrome. Also called: DYSENCEPHALIA SPLANCHNOCYSTICA; GRUBER SYNDROME; Dysencephalia splachnocystica. Identifiers: Orphanet 564, MedGen C0265215, MONDO:0018921.

Submission:

Labcorp Genetics (formerly Invitae), Labcorp
Classification: Uncertain significance for Joubert syndrome; Meckel-Gruber syndrome. Last evaluated: 2022-01-13. Review status: criteria provided, single submitter. Criteria: Invitae Variant Classification Sherloc (09022015). Collection method: clinical testing. Allele origin: germline.
Comment: This sequence change falls in intron 10 of the TMEM67 gene. It does not directly change the encoded amino acid sequence of the TMEM67 protein. It affects a nucleotide within the consensus splice site. Information on the frequency of this variant in the gnomAD database is not available, as this variant may be reported differently in the database. This variant has not been reported in the literature in individuals affected with TMEM67-related conditions. Variants that disrupt the consensus splice site are a relatively common cause of aberrant splicing (PMID: 17576681, 9536098). Algorithms developed to predict the effect of sequence changes on RNA splicing suggest that this variant is not likely to affect RNA splicing. In summary, the available evidence is currently insufficient to determine the role of this variant in disease. Therefore, it has been classified as a Variant of Uncertain Significance.

Literature cited by the submitters: PubMed 17576681; PubMed 9536098.

NM_153704.6(TMEM67):c.1066-4_1066-3delinsAT

Gene: TMEM67 (transmembrane protein 67; plus strand). Cytogenetic location: 8q22.1.
Variant type: Indel.
Coding change: c.1066-4_1066-3delinsAT on transcript NM_153704.6 (MANE Select); 4 bases into the intron before coding-DNA position 1066 through 3 bases into the intron before coding-DNA position 1066, GC replaced by AT.
Molecular consequence: intron variant.
Genome position (GRCh38, 1-based): chr8:93,782,391-93,782,392, GC replaced by AT. VCF-style: chr8-93782391-GC-AT. GRCh37 (hg19) VCF-style: chr8-94794619-GC-AT.
Other names: c.823-4_823-3delinsAT (NM_001142301.1).
Identifiers: ClinVar variation 2415869 (VCV002415869.5), dbSNP rs2536850498, ClinGen allele CA2580079049.